The following is an entry in ClinVar:

NM_007294.4(BRCA1):c.355A>T (p.Lys119Ter)

Gene: BRCA1 (BRCA1 DNA repair associated; minus strand). Cytogenetic location: 17q21.31.
Variant type: single nucleotide variant.
Coding change: c.355A>T on transcript NM_007294.4 (MANE Select); coding-DNA position 355, A replaced by T.
Protein change: p.Lys119Ter; replaces lysine 119 with a stop codon.
Molecular consequence: nonsense. On other transcripts: non-coding transcript variant (1).
Genome position (GRCh38, 1-based): chr17:43,104,208, T>A on the plus strand (A>T on the coding strand, the complement: BRCA1 is on the minus strand). VCF-style: chr17-43104208-T-A. GRCh37 (hg19) VCF-style: chr17-41256225-T-A.
Other names: 474A>T (K119X); c.355A>T, p.Lys119Ter (NM_001407673.1, NM_001407674.1, NM_001407675.1 and 165 more transcripts); c.214A>T, p.Lys72Ter (NM_001407692.1, NM_001407694.1, NM_001407695.1 and 99 more transcripts); c.145A>T, p.Lys49Ter (NM_001407853.1, NM_001407879.1, NM_001407881.1 and 58 more transcripts); c.277A>T, p.Lys93Ter (NM_001407862.1, NM_001407874.1, NM_001407875.1 and 21 more transcripts); c.-27A>T (NM_001407959.1, NM_001407960.1, NM_001407962.1 and 4 more transcripts); c.346A>T, p.Lys116Ter (NM_001408408.1, NM_001407646.1, NM_001407647.1); c.223A>T, p.Lys75Ter (NM_001408451.1); short protein forms K119*, K72*, K75*, K116*, K49*, K93*.
Identifiers: ClinVar variation 266383 (VCV000266383.6), dbSNP rs886040142, ClinGen allele CA10590019.

ClinVar aggregate classification (germline): Pathogenic. Review status: reviewed by expert panel (3 of 4 stars). 2 submissions from 2 submitters: Pathogenic (1). 1 of the submissions does not count toward it. Last evaluated 2016-10-18.

Conditions:
Breast-ovarian cancer, familial, susceptibility to, 1 (BROVCA1). Also called: BRCA1 Hereditary Breast and Ovarian Cancer; OVARIAN CANCER, SUSCEPTIBILITY TO. Identifiers: Orphanet 145, MedGen C2676676, MONDO:0011450, OMIM 604370. Disease mechanism: loss of function.

Submissions (2):

Evidence-based Network for the Interpretation of Germline Mutant Alleles (ENIGMA)
Classification: Pathogenic for Breast-ovarian cancer, familial, susceptibility to, 1. Last evaluated: 2016-10-18. Review status: reviewed by expert panel. Criteria: ENIGMA BRCA1/2 Classification Criteria (2015). Collection method: curation. Allele origin: germline.
Comment: Variant allele predicted to encode a truncated non-functional protein.

Consortium of Investigators of Modifiers of BRCA1/2 (CIMBA), c/o University of Cambridge
Classification: Pathogenic for Breast-ovarian cancer, familial, susceptibility to, 1. Last evaluated: 2015-10-02. Review status: criteria provided, single submitter. Criteria: CIMBA Mutation Classification guidelines May 2016. Collection method: clinical testing. Allele origin: germline. Not counted in ClinVar's aggregate classification.